The following is an entry in ClinVar:

NM_000532.5(PCCB):c.184-12G>T

Gene: PCCB (propionyl-CoA carboxylase subunit beta; plus strand). Cytogenetic location: 3q22.3.
Variant type: single nucleotide variant.
Coding change: c.184-12G>T on transcript NM_000532.5 (MANE Select); 12 bases into the intron before coding-DNA position 184, G replaced by T.
Molecular consequence: intron variant.
Genome position (GRCh38, 1-based): chr3:136,255,844, G>T. VCF-style: chr3-136255844-G-T. GRCh37 (hg19) VCF-style: chr3-135974686-G-T.
Other names: c.184-12G>T (NM_001178014.2).
Identifiers: ClinVar variation 343459 (VCV000343459.21), dbSNP rs181283691, ClinGen allele CA2631639.

ClinVar aggregate classification (germline): Benign. Review status: criteria provided, multiple submitters, no conflicts (2 of 4 stars). 7 submissions from 7 submitters: Benign (6). 1 of the submissions does not count toward it. Last evaluated 2026-02-02.

Conditions:
PCCB-related disorder. Also called: PCCB-related condition.
Propionic acidemia (PROP). Also called: GLYCINEMIA, KETOTIC; HYPERGLYCINEMIA WITH KETOACIDOSIS AND LEUKOPENIA; KETOTIC HYPERGLYCINEMIA. Identifiers: Orphanet 35, MedGen C0268579, MONDO:0011628, OMIM 606054, HP:0003571.

Allele frequency attached by ClinVar (database versions not stated): gnomAD 0.00185 and 0.00261; ESP Exome Variant Server 0.00200; TOPMed 0.00265; gnomAD exomes 0.00494; ExAC 0.00510; 1000 Genomes Project 30x 0.00578; 1000 Genomes Project 0.00619.
gnomAD v4.1: 4,856 of 1,613,084 alleles (0.3%); highest among the groups gnomAD compares: South Asian, 2.4%; 59 homozygotes.

Submissions (7):

Labcorp Genetics (formerly Invitae), Labcorp
Classification: Benign for Propionic acidemia. Last evaluated: 2026-02-02. Review status: criteria provided, single submitter. Criteria: Invitae Variant Classification Sherloc (09022015). Collection method: clinical testing. Allele origin: germline.

GeneDx
Classification: Benign. Last evaluated: 2019-01-24. Review status: criteria provided, single submitter. Criteria: GeneDx Variant Classification Process June 2021. Collection method: clinical testing. Allele origin: germline. Affected: yes.

Illumina Laboratory Services, Illumina
Classification: Benign for Propionic acidemia. Last evaluated: 2018-01-13. Review status: criteria provided, single submitter. Criteria: ICSL Variant Classification Criteria 13 December 2019. Collection method: clinical testing. Allele origin: germline.
Comment: This variant was observed in the ICSL laboratory as part of a predisposition screen in an ostensibly healthy population. It had not been previously curated by ICSL or reported in the Human Gene Mutation Database (HGMD: prior to June 1st, 2018), and was therefore a candidate for classification through an automated scoring system. Utilizing variant allele frequency, disease prevalence and penetrance estimates, and inheritance mode, an automated score was calculated to assess if this variant is too frequent to cause the disease. Based on the score and internal cut-off values, a variant classified as benign is not then subjected to further curation. The score for this variant resulted in a classification of benign for this disease.

Eurofins Ntd Llc (ga)
Classification: Benign. Last evaluated: 2017-02-01. Review status: criteria provided, single submitter. Criteria: EGL Classification Definitions 2015. Collection method: clinical testing. Allele origin: germline. Observed: 1 variant allele, 1 heterozygote.

Women's Health and Genetics/Laboratory Corporation of America, LabCorp
Classification: Benign. Last evaluated: 2016-02-29. Review status: criteria provided, single submitter. Criteria: LabCorp Variant Classification Summary - May 2015. Collection method: clinical testing. Allele origin: germline.
Comment: Variant summary: Variant affects a non-conserved nucleotide located in an intronic position not widely known to affect splicing. Mutation taster predicts neutral outcome for this substitution along with 5/5 in silico tools via Alamut predicting the variant not to have an effect on splicing. The variant was found in the large and broad cohorts of the ExAC project at an allele frequency of 0.5% which exceeds the predicted maximal expected allele frequency of a disease causing PCCB variant (0.0025%) indicating neutrality. Moreover, in the South Asian subcohort of the ExAC project the observed allele frequency as as high as 2.4% including 7 homozygotes, further supporting a benign impact. Considering all evidence, the variant was classified as Benign.

Breakthrough Genomics
Classification: Benign. Review status: criteria provided, single submitter. Criteria: ACMG Guidelines, 2015. Collection method: not provided. Allele origin: germline. Inheritance: Autosomal recessive inheritance. Affected: yes.

PreventionGenetics, part of Exact Sciences
Classification: Benign for PCCB-related condition. Last evaluated: 2019-02-20. Review status: no assertion criteria provided. Collection method: clinical testing. Allele origin: germline. Not counted in ClinVar's aggregate classification.
Comment: This variant is classified as benign based on ACMG/AMP sequence variant interpretation guidelines (Richards et al. 2015 PMID: 25741868, with internal and published modifications).